The following is an entry in ClinVar:

NM_004006.3(DMD):c.1980G>C (p.Lys660Asn)

Gene: DMD (dystrophin; minus strand). Cytogenetic location: Xp21.1.
Variant type: single nucleotide variant.
Coding change: c.1980G>C on transcript NM_004006.3 (MANE Select); coding-DNA position 1980, G replaced by C.
Protein change: p.Lys660Asn; replaces lysine 660 with asparagine.
Molecular consequence: missense variant.
Genome position (GRCh38, 1-based): chrX:32,565,714, C>G on the plus strand (G>C on the coding strand, the complement: DMD is on the minus strand). VCF-style: chrX-32565714-C-G. GRCh37 (hg19) VCF-style: chrX-32583831-C-G.
Other names: c.1956G>C, p.Lys652Asn (NM_000109.4); c.1968G>C, p.Lys656Asn (NM_004009.3); c.1611G>C, p.Lys537Asn (NM_004010.3); short protein forms K537N, K660N, K652N, K656N.
Identifiers: ClinVar variation 1486306 (VCV001486306.8), dbSNP rs2149094500, ClinGen allele CA412672205.

ClinVar aggregate classification (germline): Uncertain significance (1 of 4 stars; one submission).

Conditions:
Duchenne muscular dystrophy (DMD). Also called: Duchenne Muscular Dystrophy (DMD); MUSCULAR DYSTROPHY, PSEUDOHYPERTROPHIC PROGRESSIVE, DUCHENNE TYPE. Identifiers: Orphanet 98896, MedGen C0013264, MONDO:0010679, OMIM 310200.

Submission:

Labcorp Genetics (formerly Invitae), Labcorp
Classification: Uncertain significance for Duchenne muscular dystrophy. Last evaluated: 2022-07-05. Review status: criteria provided, single submitter. Criteria: Invitae Variant Classification Sherloc (09022015). Collection method: clinical testing. Allele origin: germline.
Comment: ClinVar contains an entry for this variant (Variation ID: 1486306). This variant has not been reported in the literature in individuals affected with DMD-related conditions. This variant is not present in population databases (gnomAD no frequency). This sequence change replaces lysine, which is basic and polar, with asparagine, which is neutral and polar, at codon 660 of the DMD protein (p.Lys660Asn). Algorithms developed to predict the effect of missense changes on protein structure and function are either unavailable or do not agree on the potential impact of this missense change (SIFT: "Tolerated"; PolyPhen-2: "Possibly Damaging"; Align-GVGD: "Class C0"). In summary, the available evidence is currently insufficient to determine the role of this variant in disease. Therefore, it has been classified as a Variant of Uncertain Significance.